The following is an entry in ClinVar:

ClinVar aggregate classification (germline): Pathogenic (1 of 4 stars; one submission).

Conditions:
Cohen syndrome (COH1). Also called: Cutis verticis gyrata, retinitis pigmentosa, and sensorineural deafness; PEPPER SYNDROME. Identifiers: Orphanet 193, MedGen C0265223, MONDO:0008999, OMIM 216550.

Submission:

Labcorp Genetics (formerly Invitae), Labcorp
Classification: Pathogenic for Cohen syndrome. Last evaluated: 2019-10-07. Review status: criteria provided, single submitter. Criteria: Invitae Variant Classification Sherloc (09022015). Collection method: clinical testing. Allele origin: germline.
Comment: For these reasons, this variant has been classified as Pathogenic. Loss-of-function variants in VPS13B are known to be pathogenic (PMID: 15141358, 16648375, 20461111). This variant has not been reported in the literature in individuals with VPS13B-related conditions. This variant is an out-of-frame deletion of the genomic region encompassing exons 26-27 of the VPS13B gene. This is expected to create a premature translational stop signal and result in an absent or disrupted protein product.

Literature cited by the submitters: PubMed 15141358; PubMed 16648375; PubMed 20461111.

NC_000008.11:g.(?_99501677)_(99502960_?)del

Gene: VPS13B (vacuolar protein sorting 13 homolog B; plus strand). Cytogenetic location: 8q22.2.
Variant type: Deletion.
Identifiers: ClinVar variation 832133 (VCV000832133.5).